The following is an entry in ClinVar:

NM_001793.6(CDH3):c.1182+6T>A

Gene: CDH3 (cadherin 3; plus strand). Cytogenetic location: 16q22.1.
Variant type: single nucleotide variant.
Coding change: c.1182+6T>A on transcript NM_001793.6 (MANE Select); 6 bases into the intron after coding-DNA position 1182, T replaced by A.
Molecular consequence: intron variant.
Genome position (GRCh38, 1-based): chr16:68,682,493, T>A. VCF-style: chr16-68682493-T-A. GRCh37 (hg19) VCF-style: chr16-68716396-T-A.
Other names: c.1017+6T>A (NM_001317196.2); c.1182+6T>A (NM_001317195.3).
Identifiers: ClinVar variation 2115258 (VCV002115258.4), dbSNP rs1961261304, ClinGen allele CA2580092023.

ClinVar aggregate classification (germline): Uncertain significance (1 of 4 stars; one submission).

Submission:

Labcorp Genetics (formerly Invitae), Labcorp
Classification: Uncertain significance. Last evaluated: 2022-03-20. Review status: criteria provided, single submitter. Criteria: Invitae Variant Classification Sherloc (09022015). Collection method: clinical testing. Allele origin: germline.
Comment: In summary, the available evidence is currently insufficient to determine the role of this variant in disease. Therefore, it has been classified as a Variant of Uncertain Significance. Variants that disrupt the consensus splice site are a relatively common cause of aberrant splicing (PMID: 17576681, 9536098). Algorithms developed to predict the effect of sequence changes on RNA splicing suggest that this variant is not likely to affect RNA splicing. This variant has not been reported in the literature in individuals affected with CDH3-related conditions. This variant is not present in population databases (gnomAD no frequency). This sequence change falls in intron 9 of the CDH3 gene. It does not directly change the encoded amino acid sequence of the CDH3 protein. It affects a nucleotide within the consensus splice site.

Literature cited by the submitters: PubMed 17576681; PubMed 9536098.